The following is an entry in ClinVar:

ClinVar aggregate classification (germline): Uncertain significance (1 of 4 stars; one submission).

Conditions:
Tuberous sclerosis 2 (TSC2). Identifiers: Orphanet 805, MedGen C1860707, MONDO:0013199, OMIM 613254.

Submission:

Labcorp Genetics (formerly Invitae), Labcorp
Classification: Uncertain significance for Tuberous sclerosis 2. Last evaluated: 2021-03-01. Review status: criteria provided, single submitter. Criteria: Invitae Variant Classification Sherloc (09022015). Collection method: clinical testing. Allele origin: germline.
Comment: This sequence change replaces proline with glutamine at codon 1215 of the TSC2 protein (p.Pro1215Gln). The proline residue is highly conserved and there is a moderate physicochemical difference between proline and glutamine. This variant is not present in population databases (ExAC no frequency). This variant has not been reported in the literature in individuals with TSC2-related conditions. Advanced modeling of protein sequence and biophysical properties (such as structural, functional, and spatial information, amino acid conservation, physicochemical variation, residue mobility, and thermodynamic stability) performed at Invitae indicates that this missense variant is not expected to disrupt TSC2 protein function. In summary, the available evidence is currently insufficient to determine the role of this variant in disease. Therefore, it has been classified as a Variant of Uncertain Significance.

NM_000548.5(TSC2):c.3644C>A (p.Pro1215Gln)

Gene: TSC2 (TSC complex subunit 2; plus strand). Cytogenetic location: 16p13.3.
Variant type: single nucleotide variant.
Coding change: c.3644C>A on transcript NM_000548.5 (MANE Select); coding-DNA position 3644, C replaced by A.
Protein change: p.Pro1215Gln; replaces proline 1215 with glutamine.
Molecular consequence: missense variant.
Genome position (GRCh38, 1-based): chr16:2,081,628, C>A. VCF-style: chr16-2081628-C-A. GRCh37 (hg19) VCF-style: chr16-2131629-C-A.
Other names: c.3512C>A, p.Pro1171Gln (NM_001077183.3, NM_001370404.1); c.3644C>A, p.Pro1215Gln (NM_001114382.3); c.3404C>A, p.Pro1135Gln (NM_001318827.2); c.3368C>A, p.Pro1123Gln (NM_001318829.2); c.2912C>A, p.Pro971Gln (NM_001318831.2); c.3545C>A, p.Pro1182Gln (NM_001318832.2); c.3515C>A, p.Pro1172Gln (NM_001363528.2, NM_001370405.1, NM_021055.3); short protein forms P1182Q, P971Q, P1171Q, P1172Q, P1123Q, P1135Q, P1215Q.
Identifiers: ClinVar variation 1423023 (VCV001423023.8), dbSNP rs933257311, ClinGen allele CA394291902.